The following is an entry in ClinVar:

NM_016580.4(PCDH12):c.3068A>C (p.Glu1023Ala)

Genes: PCDH12 (protocadherin 12; minus strand), RNF14 (ring finger protein 14; plus strand). Cytogenetic location: 5q31.3.
Variant type: single nucleotide variant.
Coding change: c.3068A>C on transcript NM_016580.4 (MANE Select); coding-DNA position 3068, A replaced by C.
Protein change: p.Glu1023Ala; replaces glutamic acid 1023 with alanine.
Molecular consequence: missense variant.
Genome position (GRCh38, 1-based): chr5:141,949,494, T>G on the plus strand (A>C on the coding strand, the complement: PCDH12 is on the minus strand). VCF-style: chr5-141949494-T-G. GRCh37 (hg19) VCF-style: chr5-141329059-T-G.
Other names: p.Glu1023Ala; short protein forms E1023A.
Identifiers: ClinVar variation 787294 (VCV000787294.12), dbSNP rs61737141, ClinGen allele CA3484065.

ClinVar aggregate classification (germline): Benign. Review status: criteria provided, multiple submitters, no conflicts (2 of 4 stars). 2 submissions from 2 submitters: Benign (2). Last evaluated 2026-01-29.

Allele frequency attached by ClinVar (database versions not stated): gnomAD exomes 0.00082 and 0.00231; ExAC 0.00272; 1000 Genomes Project 0.00639; 1000 Genomes Project 30x 0.00734; gnomAD 0.00846 and 0.00923; TOPMed 0.00931; ESP Exome Variant Server 0.00961.
gnomAD v4.1: 2,528 of 1,614,172 alleles (0.16%); highest among the groups gnomAD compares: African/African-American, 2.9%; 39 homozygotes.

Submissions (2):

Labcorp Genetics (formerly Invitae), Labcorp
Classification: Benign. Last evaluated: 2026-01-29. Review status: criteria provided, single submitter. Criteria: Invitae Variant Classification Sherloc (09022015). Collection method: clinical testing. Allele origin: germline.

Mayo Clinic Laboratories, Mayo Clinic
Classification: Benign. Last evaluated: 2023-04-30. Review status: criteria provided, single submitter. Criteria: ACMG Guidelines, 2015. Collection method: clinical testing. Allele origin: germline. Observed: 4 variant alleles.
Comment: BS1, BS2, BP4